The following is an entry in ClinVar:

NM_000020.3(ACVRL1):c.971_972insGCGACAAG (p.Ala325fs)

Gene: ACVRL1 (activin A receptor like type 1; plus strand). Cytogenetic location: 12q13.13.
Variant type: Insertion.
Coding change: c.971_972insGCGACAAG on transcript NM_000020.3 (MANE Select); coding-DNA positions 971 to 972, GCGACAAG inserted.
Protein change: p.Ala325fs; shifts the reading frame from alanine 325.
Molecular consequence: frameshift variant.
Genome position: GRCh38 VCF-style: chr12-51915423-C-CGCGACAAG. GRCh37 (hg19) VCF-style: chr12-52309207-C-CGCGACAAG.
Other names: c.971_972insGCGACAAG, p.Ala325fs (NM_001077401.2); c.971_972insGCGACAAG, p.Ala325Argfs (NM_001406487.1, NM_001406488.1, NM_001406489.1); c.659_660insGCGACAAG, p.Ala221Argfs (NM_001406490.1, NM_001406491.1, NM_001406492.1 and 2 more transcripts); c.407_408insGCGACAAG, p.Ala137Argfs (NM_001406495.1); short protein forms A325fs.
Identifiers: ClinVar variation 1767951 (VCV001767951.2), dbSNP rs2540164709, ClinGen allele CA2580086485.
Genomic context (GRCh38, chr12:51,915,423, plus strand): 5'-TGTCCGCGGCATGCGGCCTGGCGCACCTGCACGTGGAGATCTTCGGTACACAGGGCAAAC[C>CGCGACAAG]AGCCATTGCCCACCGCGACTTCAAGAGCCGCAATGTGCTGGTCAAGAGCAACCTGCAGTG-3'

ClinVar aggregate classification (germline): Pathogenic (1 of 4 stars; one submission).

Conditions:
Cardiovascular phenotype. Identifiers: MedGen CN230736.

Submission:

Ambry Genetics
Classification: Pathogenic for Cardiovascular phenotype. Last evaluated: 2018-01-24. Review status: criteria provided, single submitter. Criteria: Ambry Variant Classification Scheme 2023. Collection method: clinical testing. Allele origin: germline.
Comment: The c.971_972insGCGACAAG pathogenic mutation, located in coding exon 6 of the ACVRL1 gene, results from an insertion of 8 nucleotides at position 971, causing a translational frameshift with a predicted alternate stop codon (p.A325Rfs*32). This alteration is expected to result in loss of function by premature protein truncation or nonsense-mediated mRNA decay. As such, this alteration is interpreted as a disease-causing mutation.